The following is an entry in ClinVar:

ClinVar aggregate classification (germline): Uncertain significance (1 of 4 stars; one submission).

Conditions:
Hereditary cancer-predisposing syndrome. Also called: Neoplastic Syndromes, Hereditary; Hereditary Cancer Syndrome; Hereditary neoplastic syndrome; Tumor predisposition. Identifiers: Orphanet 140162, MedGen C0027672, MeSH D009386, MONDO:0015356.

Allele frequency attached by ClinVar (database versions not stated): gnomAD exomes below 0.00001.
gnomAD v4.1: 5 of 1,573,770 alleles (0.00032%); highest among the groups gnomAD compares: Non-Finnish European, 0.00044%; no homozygotes.

Submission:

Ambry Genetics
Classification: Uncertain significance for Hereditary cancer-predisposing syndrome. Last evaluated: 2022-04-25. Review status: criteria provided, single submitter. Criteria: Ambry Variant Classification Scheme 2023. Collection method: clinical testing. Allele origin: germline.
Comment: The c.5675-27C>A intronic alteration consists of a C to A substitution 27 nucleotides before coding exon 37 in the ATM gene. Based on insufficient or conflicting evidence, the clinical significance of this alteration remains unclear.

NM_000051.4(ATM):c.5675-27C>A

Gene: ATM (ATM serine/threonine kinase; plus strand). Cytogenetic location: 11q22.3.
Variant type: single nucleotide variant.
Coding change: c.5675-27C>A on transcript NM_000051.4 (MANE Select); 27 bases into the intron before coding-DNA position 5675, C replaced by A.
Molecular consequence: intron variant.
Genome position (GRCh38, 1-based): chr11:108,307,870, C>A. VCF-style: chr11-108307870-C-A. GRCh37 (hg19) VCF-style: chr11-108178597-C-A.
Other names: c.5675-27C>A (NM_001351834.2).
Identifiers: ClinVar variation 2562583 (VCV002562583.2), dbSNP rs2135974720, ClinGen allele CA2516622713.
Genomic context (GRCh38, chr11:108,307,870, plus strand): 5'-TAGTGGGAGACAGACACATAAACAAGAAGGAAGAAGGTGTGTAAGCAAGAATGCCTGGGA[C>A]TGAGGGGAGATATTTTTGTTTGTCAGAGTCAGAGCACTTTTTCCGATGCTGTTTGGATAA-3'